The following is an entry in ClinVar:

ClinVar aggregate classification (germline): Uncertain significance (1 of 4 stars; one submission).

Conditions:
Classic or attenuated familial adenomatous polyposis. Identifiers: MedGen CN372698, MONDO:0021057.

Submission:

All of Us Research Program, National Institutes of Health
Classification: Uncertain significance for Classic or attenuated familial adenomatous polyposis. Last evaluated: 2023-10-02. Review status: criteria provided, single submitter. Criteria: ACMG Guidelines, 2015. Collection method: clinical testing. Allele origin: germline. Inheritance: Autosomal dominant inheritance. Observed: 1 variant allele, 1 heterozygote.
Comment: This missense variant replaces asparagine with lysine at codon 1729 of the APC protein. Computational prediction suggests that this variant may not impact protein structure and function (internally defined REVEL score threshold <= 0.5, PMID: 27666373). To our knowledge, functional studies have not been reported for this variant. This variant has not been reported in individuals affected with APC-related disorders in the literature. This variant has not been identified in the general population by the Genome Aggregation Database (gnomAD). The available evidence is insufficient to determine the role of this variant in disease conclusively. Therefore, this variant is classified as a Variant of Uncertain Significance.

This study involves interpretation of variants in research participants for the purpose of population health screening. Participant phenotype was not available at the time of variant classification. Additional details can be found in publication PMID: 35346344, PMCID: PMC8962531

NM_000038.6(APC):c.5187T>G (p.Asn1729Lys)

Gene: APC (APC regulator of WNT signaling pathway; plus strand). Cytogenetic location: 5q22.2.
Variant type: single nucleotide variant.
Coding change: c.5187T>G on transcript NM_000038.6 (MANE Select); coding-DNA position 5187, T replaced by G.
Protein change: p.Asn1729Lys; replaces asparagine 1729 with lysine.
Molecular consequence: missense variant. On other transcripts: non-coding transcript variant (2).
Genome position (GRCh38, 1-based): chr5:112,840,781, T>G. VCF-style: chr5-112840781-T-G. GRCh37 (hg19) VCF-style: chr5-112176478-T-G.
Other names: c.4707T>G, p.Asn1569Lys (NM_001354905.2); c.4338T>G, p.Asn1446Lys (NM_001354906.2, NM_001407470.1); c.5271T>G, p.Asn1757Lys (NM_001407446.1); c.5241T>G, p.Asn1747Lys (NM_001407447.1, NM_001407448.1, NM_001407449.1 and 1 more transcripts); c.5187T>G, p.Asn1729Lys (NM_001407450.1, NM_001127510.3, NM_001354895.2); c.5166T>G, p.Asn1722Lys (NM_001407451.1); c.5157T>G, p.Asn1719Lys (NM_001407452.1); c.5010T>G, p.Asn1670Lys (NM_001407453.1, NM_001354901.2); and 11 more; short protein forms N1345K, N1446K, N1569K, N1600K, N1603K, N1628K, N1638K, N1646K.
Identifiers: ClinVar variation 3073625 (VCV003073625.1), dbSNP rs2149934182, ClinGen allele CA16032670.